The following is an entry in ClinVar:

NM_006734.4(HIVEP2):c.6651C>T (p.His2217=)

Gene: HIVEP2 (HIVEP zinc finger 2; minus strand). Cytogenetic location: 6q24.2.
Variant type: single nucleotide variant.
Coding change: c.6651C>T on transcript NM_006734.4 (MANE Select); coding-DNA position 6651, C replaced by T.
Protein change: p.His2217=; no amino-acid change (histidine 2217 retained).
Molecular consequence: synonymous variant.
Genome position (GRCh38, 1-based): chr6:142,753,797, G>A on the plus strand (C>T on the coding strand, the complement: HIVEP2 is on the minus strand). VCF-style: chr6-142753797-G-A. GRCh37 (hg19) VCF-style: chr6-143074934-G-A.
Identifiers: ClinVar variation 2874248 (VCV002874248.25), dbSNP rs574291625, ClinGen allele CA4027644.
Genomic context (GRCh38, chr6:142,753,797, plus strand): 5'-AACCATCTGGATCCCACCAACGGGCACCATGGGGATAGGGGCTCGCACTTGTTGCTGAGA[G>A]TGGAGTGGAAGATGACTGAAGACATAGTCATTAGGACCCTCAGGGAAAAGGCTGGAGCCT-3'
Protein context (NP_006725.3, residues 2207-2227): NDYVFSHLPL[His2217=]SQQQVRAPIP

ClinVar aggregate classification (germline): Benign/Likely benign. Review status: criteria provided, multiple submitters, no conflicts (2 of 4 stars). 2 submissions from 2 submitters: Benign (1); Likely benign (1). Last evaluated 2026-09-01.

Allele frequency attached by ClinVar (database versions not stated): TOPMed 0.00003; gnomAD 0.00010; gnomAD exomes 0.00016; ExAC 0.00051; 1000 Genomes Project 0.00060; 1000 Genomes Project 30x 0.00078.
gnomAD v4.1: 253 of 1,614,190 alleles (0.016%); highest among the groups gnomAD compares: South Asian, 0.26%; 6 homozygotes.

Submissions (2):

CeGaT Center for Human Genetics Tuebingen
Classification: Likely benign. Last evaluated: 2026-09-01. Review status: criteria provided, single submitter. Criteria: CeGaT Center For Human Genetics Tuebingen Variant Classification Criteria Version 2. Collection method: clinical testing. Allele origin: germline. Affected: yes. Observed: 2 variant alleles.
Comment: HIVEP2: BP4, BS1

Labcorp Genetics (formerly Invitae), Labcorp
Classification: Benign. Last evaluated: 2025-06-19. Review status: criteria provided, single submitter. Criteria: Invitae Variant Classification Sherloc (09022015). Collection method: clinical testing. Allele origin: germline.